The following is an entry in ClinVar:

NM_015046.7(SETX):c.7100+2T>C

Gene: SETX (senataxin; minus strand). Cytogenetic location: 9q34.13.
Variant type: single nucleotide variant.
Coding change: c.7100+2T>C on transcript NM_015046.7 (MANE Select); the canonical splice donor site of the intron after coding-DNA position 7100, T replaced by C.
Molecular consequence: splice donor variant.
Genome position (GRCh38, 1-based): chr9:132,275,254, A>G on the plus strand (T>C on the coding strand, the complement: SETX is on the minus strand). VCF-style: chr9-132275254-A-G. GRCh37 (hg19) VCF-style: chr9-135150641-A-G.
Other names: c.7100+2T>C (NM_001351528.2, NM_001351527.2).
Identifiers: ClinVar variation 2136826 (VCV002136826.4), dbSNP rs1554804809, ClinGen allele CA375329036.

ClinVar aggregate classification (germline): Likely pathogenic (1 of 4 stars; one submission).

Conditions:
Amyotrophic lateral sclerosis type 4 (ALS4). Also called: NEURONOPATHY, DISTAL HEREDITARY MOTOR, WITH PYRAMIDAL FEATURES; AMYOTROPHIC LATERAL SCLEROSIS 4, JUVENILE. Identifiers: Orphanet 357043, MedGen C1865409, MONDO:0011223, OMIM 602433.
Spinocerebellar ataxia, autosomal recessive, with axonal neuropathy 2 (SCAN2). Also called: ATAXIA-OCULOMOTOR APRAXIA 2; Ataxia with Oculomotor Apraxia; Ataxia with Oculomotor Apraxia Type 2; Ataxia-ocular apraxia-2. Identifiers: Orphanet 64753, MedGen C1853761, MONDO:0018996, OMIM 606002.

Submission:

Labcorp Genetics (formerly Invitae), Labcorp
Classification: Likely pathogenic for Amyotrophic lateral sclerosis type 4; Spinocerebellar ataxia, autosomal recessive, with axonal neuropathy 2. Last evaluated: 2021-12-18. Review status: criteria provided, single submitter. Criteria: Invitae Variant Classification Sherloc (09022015). Collection method: clinical testing. Allele origin: germline.
Comment: In summary, the currently available evidence indicates that the variant is pathogenic, but additional data are needed to prove that conclusively. Therefore, this variant has been classified as Likely Pathogenic. Algorithms developed to predict the effect of sequence changes on RNA splicing suggest that this variant may disrupt the consensus splice site. Disruption of this splice site has been observed in individual(s) with autosomal recessive spinal cerebellar ataxia (PMID: 24030952). This variant is not present in population databases (gnomAD no frequency). This sequence change affects a donor splice site in intron 23 of the SETX gene. It is expected to disrupt RNA splicing. Variants that disrupt the donor or acceptor splice site typically lead to a loss of protein function (PMID: 16199547), and loss-of-function variants in SETX are known to be pathogenic (PMID: 14770181).

Literature cited by the submitters: PubMed 24030952; PubMed 16199547; PubMed 14770181.